The following is an entry in ClinVar:

NM_080680.3(COL11A2):c.3778G>C (p.Asp1260His)

Gene: COL11A2 (collagen type XI alpha 2 chain; minus strand). Cytogenetic location: 6p21.32.
Variant type: single nucleotide variant.
Coding change: c.3778G>C on transcript NM_080680.3 (MANE Select); coding-DNA position 3778, G replaced by C.
Protein change: p.Asp1260His; replaces aspartic acid 1260 with histidine.
Molecular consequence: missense variant.
Genome position (GRCh38, 1-based): chr6:33,169,403, C>G on the plus strand (G>C on the coding strand, the complement: COL11A2 is on the minus strand). VCF-style: chr6-33169403-C-G. GRCh37 (hg19) VCF-style: chr6-33137180-C-G.
Other names: c.3457G>C, p.Asp1153His (NM_080679.3); c.3520G>C, p.Asp1174His (NM_080681.3); short protein forms D1153H, D1174H, D1260H.
Identifiers: ClinVar variation 906906 (VCV000906906.6), dbSNP rs1769705019, ClinGen allele CA363627518.
Genomic context (GRCh38, chr6:33,169,403, plus strand): 5'-AGGGCCTGAGAGGACTCAGCCCCCACTGCCCCAAACTCACAGGGTTCCCTTTGGGGCCAT[C>G]ATCGCCTGTGGGGCCTTTAGGCCCTGGTGGCCCTGGCTCTCCTGGCTGCCCCGACTCTCC-3'
Protein context (NP_542411.2, residues 1250-1270): PPGPKGPTGD[Asp1260His]GPKGNPGPVG

ClinVar aggregate classification (germline): Uncertain significance. Review status: criteria provided, multiple submitters, no conflicts (2 of 4 stars). 4 submissions from 2 submitters: Uncertain significance (4). Last evaluated 2024-09-18.

Conditions:
Fibrochondrogenesis 2 (FBCG2). Identifiers: Orphanet 2021, MedGen C3281128, MONDO:0013795, OMIM 614524.
Otospondylomegaepiphyseal dysplasia, autosomal recessive (OSMEDB). Also called: CHONDRODYSTROPHY WITH SENSORINEURAL DEAFNESS; Insley-Astley syndrome. Identifiers: Orphanet 1427, MedGen CN034493, MONDO:0044206, OMIM 215150.
Otospondylomegaepiphyseal dysplasia, autosomal dominant (OSMEDA). Also called: COL11A2-Related Stickler Syndrome; Stickler syndrome, type 3; Pierre Robin syndrome with fetal chondrodysplasia. Identifiers: Orphanet 166100, Orphanet 3450, MedGen C1848488, MONDO:0008490, OMIM 184840.

Allele frequency attached by ClinVar (database versions not stated): gnomAD exomes below 0.00001; TOPMed below 0.00001.
gnomAD v4.1: 1 of 1,612,884 alleles (0.000062%); highest among the groups gnomAD compares: East Asian, 0.0022%; no homozygotes.

Submissions (4):

Labcorp Genetics (formerly Invitae), Labcorp
Classification: Uncertain significance. Last evaluated: 2024-09-18. Review status: criteria provided, single submitter. Criteria: Invitae Variant Classification Sherloc (09022015). Collection method: clinical testing. Allele origin: germline.
Comment: This sequence change replaces aspartic acid, which is acidic and polar, with histidine, which is basic and polar, at codon 1260 of the COL11A2 protein (p.Asp1260His). This variant is not present in population databases (gnomAD no frequency). This variant has not been reported in the literature in individuals affected with COL11A2-related conditions. ClinVar contains an entry for this variant (Variation ID: 906906). Invitae Evidence Modeling of protein sequence and biophysical properties (such as structural, functional, and spatial information, amino acid conservation, physicochemical variation, residue mobility, and thermodynamic stability) indicates that this missense variant is not expected to disrupt COL11A2 protein function with a negative predictive value of 95%. In summary, the available evidence is currently insufficient to determine the role of this variant in disease. Therefore, it has been classified as a Variant of Uncertain Significance.

Illumina Laboratory Services, Illumina
Classification: Uncertain significance for Otospondylomegaepiphyseal dysplasia, autosomal recessive. Last evaluated: 2018-01-12. Review status: criteria provided, single submitter. Criteria: ICSL Variant Classification Criteria 13 December 2019. Collection method: clinical testing. Allele origin: germline.

Illumina Laboratory Services, Illumina
Classification: Uncertain significance for Fibrochondrogenesis 2. Last evaluated: 2018-01-12. Review status: criteria provided, single submitter. Criteria: ICSL Variant Classification Criteria 13 December 2019. Collection method: clinical testing. Allele origin: germline.

Illumina Laboratory Services, Illumina
Classification: Uncertain significance for Otospondylomegaepiphyseal dysplasia, autosomal dominant. Last evaluated: 2018-01-12. Review status: criteria provided, single submitter. Criteria: ICSL Variant Classification Criteria 13 December 2019. Collection method: clinical testing. Allele origin: germline.